The following is an entry in ClinVar:

ClinVar aggregate classification (germline): Uncertain significance (1 of 4 stars; one submission).

gnomAD v4.1: 2 of 1,559,356 alleles (0.00013%); highest among the groups gnomAD compares: Admixed American, 0.0017%; no homozygotes.

Submission:

GeneDx
Classification: Uncertain significance. Last evaluated: 2024-01-17. Review status: criteria provided, single submitter. Criteria: GeneDx Variant Classification Process June 2021. Collection method: clinical testing. Allele origin: germline. Affected: yes.
Comment: Not observed at significant frequency in large population cohorts (gnomAD); In silico analysis supports that this missense variant has a deleterious effect on protein structure/function; Has not been previously published as pathogenic or benign to our knowledge

NM_007289.4(MME):c.1981G>A (p.Ala661Thr)

Gene: MME (membrane metalloendopeptidase; plus strand). Cytogenetic location: 3q25.2.
Variant type: single nucleotide variant.
Coding change: c.1981G>A on transcript NM_007289.4 (MANE Select); coding-DNA position 1981, G replaced by A.
Protein change: p.Ala661Thr; replaces alanine 661 with threonine.
Molecular consequence: missense variant.
Genome position (GRCh38, 1-based): chr3:155,172,117, G>A. VCF-style: chr3-155172117-G-A. GRCh37 (hg19) VCF-style: chr3-154889906-G-A.
Other names: c.1981G>A, p.Ala661Thr (NM_000902.5, NM_001354642.2, NM_001354643.1 and 2 more transcripts); short protein forms A661T.
Identifiers: ClinVar variation 3367686 (VCV003367686.1).